The following is an entry in ClinVar:

ClinVar aggregate classification (germline): Uncertain significance (1 of 4 stars; one submission).

Conditions:
Hereditary cancer-predisposing syndrome. Also called: Tumor predisposition; Neoplastic Syndromes, Hereditary; Hereditary Cancer Syndrome; Hereditary neoplastic syndrome. Identifiers: Orphanet 140162, MedGen C0027672, MeSH D009386, MONDO:0015356.

Submission:

Ambry Genetics
Classification: Uncertain significance for Hereditary cancer-predisposing syndrome. Last evaluated: 2024-10-04. Review status: criteria provided, single submitter. Criteria: Ambry Variant Classification Scheme 2023. Collection method: clinical testing. Allele origin: germline.
Comment: The p.A896V variant (also known as c.2687C>T), located in coding exon 17 of the CTNNA1 gene, results from a C to T substitution at nucleotide position 2687. The alanine at codon 896 is replaced by valine, an amino acid with similar properties. This amino acid position is conserved. In addition, the in silico prediction for this alteration is inconclusive. Based on the available evidence, the clinical significance of this variant remains unclear.

NM_001903.5(CTNNA1):c.2687C>T (p.Ala896Val)

Gene: CTNNA1 (catenin alpha 1; plus strand). Cytogenetic location: 5q31.2.
Variant type: single nucleotide variant.
Coding change: c.2687C>T on transcript NM_001903.5 (MANE Select); coding-DNA position 2687, C replaced by T.
Protein change: p.Ala896Val; replaces alanine 896 with valine.
Molecular consequence: missense variant. On other transcripts: 3 prime UTR variant (5).
Genome position (GRCh38, 1-based): chr5:138,934,055, C>T. VCF-style: chr5-138934055-C-T. GRCh37 (hg19) VCF-style: chr5-138269744-C-T.
Other names: c.*232C>T (NM_001290307.3, NM_001324002.1, NM_001324003.1 and 2 more transcripts); c.2378C>T, p.Ala793Val (NM_001290309.3); c.2318C>T, p.Ala773Val (NM_001290310.3); c.1577C>T, p.Ala526Val (NM_001290312.1, NM_001323987.1, NM_001323988.1 and 12 more transcripts); c.2687C>T, p.Ala896Val (NM_001323982.2, NM_001323983.1, NM_001323984.2); c.2660C>T, p.Ala887Val (NM_001323985.2); c.2594C>T, p.Ala865Val (NM_001323986.2); c.1442C>T, p.Ala481Val (NM_001324001.1); and 3 more; short protein forms A865V, A887V, A526V, A773V, A445V, A793V, A896V, A413V.
Identifiers: ClinVar variation 3498248 (VCV003498248.1).